The following is an entry in ClinVar:

ClinVar aggregate classification (germline): Uncertain significance (1 of 4 stars; one submission).

Allele frequency attached by ClinVar (database versions not stated): gnomAD exomes 0.00001; TOPMed 0.00001.
gnomAD v4.1: 9 of 1,555,890 alleles (0.00058%); highest among the groups gnomAD compares: South Asian, 0.0047%; no homozygotes.

Submission:

Labcorp Genetics (formerly Invitae), Labcorp
Classification: Uncertain significance. Last evaluated: 2022-06-15. Review status: criteria provided, single submitter. Criteria: Invitae Variant Classification Sherloc (09022015). Collection method: clinical testing. Allele origin: germline.
Comment: This sequence change replaces arginine, which is basic and polar, with glutamine, which is neutral and polar, at codon 2220 of the CEP250 protein (p.Arg2220Gln). The frequency data for this variant in the population databases is considered unreliable, as metrics indicate poor data quality at this position in the gnomAD database. This variant has not been reported in the literature in individuals affected with CEP250-related conditions. Algorithms developed to predict the effect of missense changes on protein structure and function output the following: SIFT: "Not Available"; PolyPhen-2: "Benign"; Align-GVGD: "Not Available". The glutamine amino acid residue is found in multiple mammalian species, which suggests that this missense change does not adversely affect protein function. In summary, the available evidence is currently insufficient to determine the role of this variant in disease. Therefore, it has been classified as a Variant of Uncertain Significance.

NM_007186.6(CEP250):c.6659G>A (p.Arg2220Gln)

Gene: CEP250 (centrosomal protein 250; plus strand). Cytogenetic location: 20q11.22.
Variant type: single nucleotide variant.
Coding change: c.6659G>A on transcript NM_007186.6 (MANE Select); coding-DNA position 6659, G replaced by A.
Protein change: p.Arg2220Gln; replaces arginine 2220 with glutamine.
Molecular consequence: missense variant.
Genome position (GRCh38, 1-based): chr20:35,507,760, G>A. VCF-style: chr20-35507760-G-A. GRCh37 (hg19) VCF-style: chr20-34095589-G-A.
Other names: c.4763G>A, p.Arg1588Gln (NM_001318219.1); short protein forms R2220Q, R1588Q.
Identifiers: ClinVar variation 1925824 (VCV001925824.5), dbSNP rs1241870345, ClinGen allele CA408759360.